The following is an entry in ClinVar:

ClinVar aggregate classification (germline): Uncertain significance (1 of 4 stars; one submission).

gnomAD v4.1: 3 of 1,614,076 alleles (0.00019%); highest among the groups gnomAD compares: East Asian, 0.0022%; no homozygotes.

Submission:

GeneDx
Classification: Uncertain significance. Last evaluated: 2023-06-29. Review status: criteria provided, single submitter. Criteria: GeneDx Variant Classification Process June 2021. Collection method: clinical testing. Allele origin: germline. Affected: yes.
Comment: Not observed at significant frequency in large population cohorts (gnomAD); In silico analysis supports that this missense variant does not alter protein structure/function; Has not been previously published as pathogenic or benign to our knowledge

NM_003640.5(ELP1):c.2033G>A (p.Ser678Asn)

Gene: ELP1 (elongator acetyltransferase complex subunit 1; minus strand). Cytogenetic location: 9q31.3.
Variant type: single nucleotide variant.
Coding change: c.2033G>A on transcript NM_003640.5 (MANE Select); coding-DNA position 2033, G replaced by A.
Protein change: p.Ser678Asn; replaces serine 678 with asparagine.
Molecular consequence: missense variant.
Genome position (GRCh38, 1-based): chr9:108,900,357, C>T on the plus strand (G>A on the coding strand, the complement: ELP1 is on the minus strand). VCF-style: chr9-108900357-C-T. GRCh37 (hg19) VCF-style: chr9-111662637-C-T.
Other names: c.1691G>A, p.Ser564Asn (NM_001318360.2); c.986G>A, p.Ser329Asn (NM_001330749.2); short protein forms S329N, S564N, S678N.
Identifiers: ClinVar variation 3360635 (VCV003360635.1).